The following is an entry in ClinVar:

NM_002109.6(HARS1):c.1312-1G>A

Gene: HARS1 (histidyl-tRNA synthetase 1; minus strand). Cytogenetic location: 5q31.3.
Variant type: single nucleotide variant.
Coding change: c.1312-1G>A on transcript NM_002109.6 (MANE Select); the canonical splice acceptor site of the intron before coding-DNA position 1312, G replaced by A.
Molecular consequence: splice acceptor variant.
Genome position (GRCh38, 1-based): chr5:140,674,826, C>T on the plus strand (G>A on the coding strand, the complement: HARS1 is on the minus strand). VCF-style: chr5-140674826-C-T. GRCh37 (hg19) VCF-style: chr5-140054411-C-T.
Other names: c.1225-1G>A (NM_001289094.2); c.970-1G>A (NM_001289093.2); c.1132-1G>A (NM_001258042.3); c.1192-1G>A (NM_001258040.3); c.1090-1G>A (NM_001289092.2); c.1252-1G>A (NM_001258041.3).
Identifiers: ClinVar variation 3717800 (VCV003717800.3).

ClinVar aggregate classification (germline): Uncertain significance. Review status: criteria provided, multiple submitters, no conflicts (2 of 4 stars). 2 submissions from 2 submitters: Uncertain significance (2). Last evaluated 2024-09-17.

Conditions:
Usher syndrome type 3B. Also called: USHER SYNDROME, TYPE IIIB. Identifiers: MedGen C3281066, MONDO:0013788, OMIM 614504.

gnomAD v4.1: 3 of 1,614,164 alleles (0.00019%); highest among the groups gnomAD compares: Non-Finnish European, 0.00025%; no homozygotes.

Submissions (2):

Labcorp Genetics (formerly Invitae), Labcorp
Classification: Uncertain significance for Usher syndrome type 3B. Last evaluated: 2024-09-17. Review status: criteria provided, single submitter. Criteria: Invitae Variant Classification Sherloc (09022015). Collection method: clinical testing. Allele origin: germline.
Comment: This sequence change affects an acceptor splice site in intron 11 of the HARS gene. It is expected to disrupt RNA splicing. Variants that disrupt the donor or acceptor splice site typically lead to a loss of protein function (PMID: 16199547), however the current clinical and genetic evidence is not sufficient to establish whether loss-of-function variants in HARS cause disease. This variant is not present in population databases (gnomAD no frequency). This variant has not been reported in the literature in individuals affected with HARS-related conditions. Algorithms developed to predict the effect of sequence changes on RNA splicing suggest that this variant may disrupt the consensus splice site. In summary, the available evidence is currently insufficient to determine the role of this variant in disease. Therefore, it has been classified as a Variant of Uncertain Significance.

Blueprint Genetics
Classification: Uncertain significance. Last evaluated: 2021-06-02. Review status: criteria provided, single submitter. Criteria: ACMG Guidelines, 2015. Collection method: clinical testing. Allele origin: germline.

Literature cited by the submitters: PubMed 16199547 (cited by Labcorp Genetics (formerly Invitae), Labcorp).